The following is an entry in ClinVar:

NM_130837.3(OPA1):c.1150-2A>T

Gene: OPA1 (OPA1 mitochondrial dynamin like GTPase; plus strand). Cytogenetic location: 3q29.
Variant type: single nucleotide variant.
Coding change: c.1150-2A>T on transcript NM_130837.3 (MANE Select); the canonical splice acceptor site of the intron before coding-DNA position 1150, A replaced by T.
Molecular consequence: splice acceptor variant.
Genome position (GRCh38, 1-based): chr3:193,642,763, A>T. VCF-style: chr3-193642763-A-T. GRCh37 (hg19) VCF-style: chr3-193360552-A-T.
Other names: c.613-2A>T (NM_001354664.2); c.616-2A>T (NM_001354663.2); c.1039-2A>T (NM_130834.3); c.1096-2A>T (NM_130836.3); c.985-2A>T (NM_015560.3); c.1042-2A>T (NM_130835.3); c.931-2A>T (NM_130832.3); c.988-2A>T (NM_130833.3); and 1 more.
Identifiers: ClinVar variation 805099 (VCV000805099.1), dbSNP rs886041317, ClinGen allele CA355788777.
Genomic context (GRCh38, chr3:193,642,763, plus strand): 5'-GCTGTGGGAATTAATATTACTTATAAATACATCATTACCTCTCAGTTTTCTGTTACTATC[A>T]GGTGACTCTGAGTGAAGGTCCTCACCATGTGGCCCTATTTAAAGATAGTTCTCGGGAGTT-3'

ClinVar aggregate classification (germline): Likely pathogenic (1 of 4 stars; one submission).

Submission:

Athena Diagnostics
Classification: Likely pathogenic. Last evaluated: 2019-03-04. Review status: criteria provided, single submitter. Criteria: Athena Diagnostics Criteria. Collection method: clinical testing. Allele origin: germline.
Comment: The variant disrupts a canonical splice site, and is therefore predicted to result in the loss of a functional protein. Not found in the total gnomAD dataset, and the data is high quality (0/282394 chr).